The following is an entry in ClinVar:

NM_002691.4(POLD1):c.715C>A (p.Pro239Thr)

Gene: POLD1 (DNA polymerase delta 1, catalytic subunit; plus strand). Cytogenetic location: 19q13.33.
Variant type: single nucleotide variant.
Coding change: c.715C>A on transcript NM_002691.4 (MANE Select); coding-DNA position 715, C replaced by A.
Protein change: p.Pro239Thr; replaces proline 239 with threonine.
Molecular consequence: missense variant. On other transcripts: non-coding transcript variant (1).
Genome position (GRCh38, 1-based): chr19:50,402,330, C>A. VCF-style: chr19-50402330-C-A. GRCh37 (hg19) VCF-style: chr19-50905587-C-A.
Other names: c.715C>A, p.Pro239Thr (NM_001256849.1, NM_001308632.1); short protein forms P239T.
Identifiers: ClinVar variation 1313717 (VCV001313717.2), dbSNP rs1307112941, ClinGen allele CA406974478.

ClinVar aggregate classification (germline): Uncertain significance (1 of 4 stars; one submission).

Submission:

GeneDx
Classification: Uncertain significance. Last evaluated: 2020-11-30. Review status: criteria provided, single submitter. Criteria: GeneDx Variant Classification Process June 2021. Collection method: clinical testing. Allele origin: germline. Affected: yes.
Comment: Not observed in large population cohorts (Lek 2016); In silico analysis supports that this missense variant does not alter protein structure/function; Has not been previously published as pathogenic or benign to our knowledge